The following is an entry in ClinVar:

ClinVar aggregate classification (germline): Uncertain significance (1 of 4 stars; one submission).

gnomAD v4.1: 2 of 1,614,124 alleles (0.00012%); highest among the groups gnomAD compares: Non-Finnish European, 0.00017%; no homozygotes.

Submission:

Labcorp Genetics (formerly Invitae), Labcorp
Classification: Uncertain significance. Last evaluated: 2024-03-21. Review status: criteria provided, single submitter. Criteria: Invitae Variant Classification Sherloc (09022015). Collection method: clinical testing. Allele origin: germline.
Comment: This sequence change replaces isoleucine, which is neutral and non-polar, with valine, which is neutral and non-polar, at codon 882 of the ALPK3 protein (p.Ile882Val). This variant is not present in population databases (gnomAD no frequency). This variant has not been reported in the literature in individuals affected with ALPK3-related conditions. Algorithms developed to predict the effect of missense changes on protein structure and function output the following: SIFT: "Not Available"; PolyPhen-2: "Benign"; Align-GVGD: "Not Available". The valine amino acid residue is found in multiple mammalian species, which suggests that this missense change does not adversely affect protein function. In summary, the available evidence is currently insufficient to determine the role of this variant in disease. Therefore, it has been classified as a Variant of Uncertain Significance.

NM_020778.5(ALPK3):c.2038A>G (p.Ile680Val)

Gene: ALPK3 (alpha kinase 3; plus strand). Cytogenetic location: 15q25.3.
Variant type: single nucleotide variant.
Coding change: c.2038A>G on transcript NM_020778.5 (MANE Select); coding-DNA position 2038, A replaced by G.
Protein change: p.Ile680Val; replaces isoleucine 680 with valine.
Molecular consequence: missense variant.
Genome position (GRCh38, 1-based): chr15:84,856,776, A>G. VCF-style: chr15-84856776-A-G. GRCh37 (hg19) VCF-style: chr15-85400007-A-G.
Other names: short protein forms I680V.
Identifiers: ClinVar variation 3647143 (VCV003647143.2).